The following is an entry in ClinVar:

ClinVar aggregate classification (germline): Conflicting classifications of pathogenicity. Review status: criteria provided, conflicting classifications (1 of 4 stars). 3 submissions from 3 submitters: Uncertain significance (1); Likely benign (2). Last evaluated 2024-05-06.

Conditions:
Charcot-Marie-Tooth disease type 2. Also called: Charcot-Marie-Tooth type 2. Identifiers: Orphanet 64746, MedGen C0270914, MONDO:0018993.
Cardiomyopathy (CMYO). Also called: Cardiomyopathies. Identifiers: Orphanet 167848, MedGen C0878544, MONDO:0004994, HP:0001638. Inheritance: Various modes of inheritance.

gnomAD v4.1: 1 of 1,613,078 alleles (0.000062%); highest among the groups gnomAD compares: Admixed American, 0.0017%; no homozygotes.

Submissions (3):

Labcorp Genetics (formerly Invitae), Labcorp
Classification: Likely benign for Charcot-Marie-Tooth disease type 2. Last evaluated: 2024-05-06. Review status: criteria provided, single submitter. Criteria: Invitae Variant Classification Sherloc (09022015). Collection method: clinical testing. Allele origin: germline.

Color Diagnostics, LLC DBA Color Health
Classification: Uncertain significance for Cardiomyopathy. Last evaluated: 2024-01-03. Review status: criteria provided, single submitter. Criteria: ACMG Guidelines, 2015. Collection method: clinical testing. Allele origin: germline.
Comment: This variant causes a C to A nucleotide substitution at the -7 position of intron 5 of the LMNA gene. Splice site prediction tools are inconclusive regarding the impact of this variant on RNA splicing. To our knowledge, functional studies have not been reported for this variant. This variant has not been reported in individuals affected with LMNA-related disorders in the literature. This variant has been identified in 1/246476 chromosomes in the general population by the Genome Aggregation Database (gnomAD). The available evidence is insufficient to determine the role of this variant in disease conclusively. Therefore, this variant is classified as a Variant of Uncertain Significance.

Genetic Services Laboratory, University of Chicago
Classification: Likely benign. Last evaluated: 2018-01-16. Review status: criteria provided, single submitter. Criteria: ACMG Guidelines, 2015. Collection method: clinical testing. Allele origin: germline. Affected: no.

NM_170707.4(LMNA):c.937-7C>A

Gene: LMNA (lamin A/C; plus strand). Cytogenetic location: 1q22.
Variant type: single nucleotide variant.
Coding change: c.937-7C>A on transcript NM_170707.4 (MANE Select); 7 bases into the intron before coding-DNA position 937, C replaced by A.
Molecular consequence: intron variant.
Genome position (GRCh38, 1-based): chr1:156,135,894, C>A. VCF-style: chr1-156135894-C-A. GRCh37 (hg19) VCF-style: chr1-156105685-C-A.
Other names: c.937-7C>A (NM_001282625.2, NM_001282626.2, NM_170708.4 and 1 more transcripts); c.601-7C>A (NM_001257374.3); c.694-7C>A (NM_001282624.2).
Identifiers: ClinVar variation 1058690 (VCV001058690.13), dbSNP rs267607681, ClinGen allele CA31012903.
Genomic context (GRCh38, chr1:156,135,894, plus strand): 5'-CCCACGTCCCTCCTTCCCCATACTTAGGGCCCTTGGGAGCTCACCAAACCCTCCCACCCC[C>A]CTTCAGCTGGCAGCCAAGGAGGCGAAGCTTCGAGACCTGGAGGACTCACTGGCCCGTGAG-3'